The following is an entry in ClinVar:

NM_013447.4(ADGRE2):c.2032C>T (p.Leu678Phe)

Gene: ADGRE2 (adhesion G protein-coupled receptor E2; minus strand). Cytogenetic location: 19p13.12.
Variant type: single nucleotide variant.
Coding change: c.2032C>T on transcript NM_013447.4 (MANE Select); coding-DNA position 2032, C replaced by T.
Protein change: p.Leu678Phe; replaces leucine 678 with phenylalanine.
Molecular consequence: missense variant.
Genome position (GRCh38, 1-based): chr19:14,746,955, G>A on the plus strand (C>T on the coding strand, the complement: ADGRE2 is on the minus strand). VCF-style: chr19-14746955-G-A. GRCh37 (hg19) VCF-style: chr19-14857767-G-A.
Other names: c.1858C>T, p.Leu620Phe (NM_001271052.1); c.1885C>T, p.Leu629Phe (NM_152916.2); c.1753C>T, p.Leu585Phe (NM_152917.2); short protein forms L629F, L585F, L620F, L678F.
Identifiers: ClinVar variation 2720688 (VCV002720688.3), dbSNP rs756940070, ClinGen allele CA9257515.
Genomic context (GRCh38, chr19:14,746,955, plus strand): 5'-CAGAGAAGATGGCGCAGACAGGTCCAAGGAAGCCCCATATAAATCCCTTTTCTGGTTGGA[G>A]CCAGCAGCTGAAAAAAGAGAGATTAAAAAAAATGCATCAGTTTTTGGAGATATGGAACAG-3'
Protein context (NP_038475.2, residues 668-688): HLYGTPSRCW[Leu678Phe]QPEKGFIWGF

ClinVar aggregate classification (germline): Uncertain significance (1 of 4 stars; one submission).

Allele frequency attached by ClinVar (database versions not stated): gnomAD exomes below 0.00001; ExAC 0.00002.
gnomAD v4.1: 2 of 1,611,452 alleles (0.00012%); highest among the groups gnomAD compares: Admixed American, 0.0034%; no homozygotes.

Submission:

Labcorp Genetics (formerly Invitae), Labcorp
Classification: Uncertain significance. Last evaluated: 2023-07-14. Review status: criteria provided, single submitter. Criteria: Invitae Variant Classification Sherloc (09022015). Collection method: clinical testing. Allele origin: germline.
Comment: In summary, the available evidence is currently insufficient to determine the role of this variant in disease. Therefore, it has been classified as a Variant of Uncertain Significance. An algorithm developed to predict the effect of missense changes on protein structure and function (PolyPhen-2) suggests that this variant is likely to be disruptive. This variant has not been reported in the literature in individuals affected with ADGRE2-related conditions. This variant is present in population databases (rs756940070, gnomAD 0.006%). This sequence change replaces leucine, which is neutral and non-polar, with phenylalanine, which is neutral and non-polar, at codon 678 of the ADGRE2 protein (p.Leu678Phe).